The following is an entry in ClinVar:

NM_000719.7(CACNA1C):c.1074G>A (p.Gln358=)

Gene: CACNA1C (calcium voltage-gated channel subunit alpha1 C; plus strand). Cytogenetic location: 12p13.33.
Variant type: single nucleotide variant.
Coding change: c.1074G>A on transcript NM_000719.7 (MANE Select); coding-DNA position 1074, G replaced by A.
Protein change: p.Gln358=; no amino-acid change (glutamine 358 retained).
Molecular consequence: synonymous variant.
Genome position (GRCh38, 1-based): chr12:2,493,347, G>A. VCF-style: chr12-2493347-G-A. GRCh37 (hg19) VCF-style: chr12-2602513-G-A.
Other names: p.Gln358=; c.1074G>A, p.Gln358= (NM_001129827.2, NM_001129829.2, NM_001129830.3 and 18 more transcripts); c.1065G>A, p.Gln355= (NM_001129844.2).
Identifiers: ClinVar variation 238170 (VCV000238170.21), dbSNP rs139842134, ClinGen allele CA6388599.
Genomic context (GRCh38, chr12:2,493,347, plus strand): 5'-TCCCAAGCACGGCATCACCAACTTTGACAACTTTGCCTTCGCCATGCTCACGGTGTTCCA[G>A]TGCATCACCATGGAGGGCTGGACGGACGTGCTGTACTGGGTACGTAGCATGAGTGGGCAG-3'
Protein context (NP_000710.5, residues 348-368): NFAFAMLTVF[Gln358=]CITMEGWTDV

ClinVar aggregate classification (germline): Benign/Likely benign. Review status: criteria provided, multiple submitters, no conflicts (2 of 4 stars). 8 submissions from 8 submitters: Benign (3); Likely benign (5). Last evaluated 2026-01-31.

Conditions:
Cardiovascular phenotype. Identifiers: MedGen CN230736.
Long QT syndrome 8. Identifiers: MedGen CN260585, MONDO:0032756, OMIM 618447.
Brugada syndrome 3 (BRGDA3). Identifiers: Orphanet 130, MedGen C2678478, MONDO:0012742, OMIM 611875.
Timothy syndrome (TS). Also called: LONG QT SYNDROME WITH SYNDACTYLY. Identifiers: Orphanet 65283, MedGen C1832916, MeSH C536962, MONDO:0010979, OMIM 601005.
Long QT syndrome (LQTS). Identifiers: MedGen C0023976, MeSH D008133, MONDO:0002442. Disease mechanism: loss of function. Inheritance: Various modes of inheritance.

Allele frequency attached by ClinVar (database versions not stated): gnomAD exomes 0.00009 and 0.00024; ExAC 0.00031; gnomAD 0.00105 and 0.00113; ESP Exome Variant Server 0.00115; 1000 Genomes Project 0.00120; TOPMed 0.00122; 1000 Genomes Project 30x 0.00125.
gnomAD v4.1: 287 of 1,614,176 alleles (0.018%); highest among the groups gnomAD compares: African/African-American, 0.35%; no homozygotes.

Submissions (8):

Labcorp Genetics (formerly Invitae), Labcorp
Classification: Benign for Long QT syndrome. Last evaluated: 2026-01-31. Review status: criteria provided, single submitter. Criteria: Invitae Variant Classification Sherloc (09022015). Collection method: clinical testing. Allele origin: germline.

Molecular Diagnostic Laboratory for Inherited Cardiovascular Disease, Montreal Heart Institute
Classification: Likely benign. Last evaluated: 2025-07-24. Review status: criteria provided, single submitter. Criteria: ACMG Guidelines, 2015. Collection method: clinical testing. Allele origin: germline. Affected: no.

Blueprint Genetics
Classification: Likely benign. Last evaluated: 2024-10-18. Review status: criteria provided, single submitter. Criteria: ACMG Guidelines, 2015. Collection method: clinical testing. Allele origin: germline.

ARUP Laboratories, Molecular Genetics and Genomics, ARUP Laboratories
Classification: Benign. Last evaluated: 2023-03-09. Review status: criteria provided, single submitter. Criteria: ARUP Molecular Germline Variant Investigation Process 2024. Collection method: clinical testing. Allele origin: germline.

Mayo Clinic Laboratories, Mayo Clinic
Classification: Likely benign. Last evaluated: 2023-02-21. Review status: criteria provided, single submitter. Criteria: ACMG Guidelines, 2015. Collection method: clinical testing. Allele origin: germline. Observed: 5 variant alleles.
Comment: BS1, BP4, BP7

Fulgent Genetics
Classification: Likely benign for Timothy syndrome; Brugada syndrome 3; Long QT syndrome 8. Last evaluated: 2022-01-21. Review status: criteria provided, single submitter. Criteria: ACMG Guidelines, 2015. Collection method: clinical testing. Allele origin: unknown.

Ambry Genetics
Classification: Likely benign for Cardiovascular phenotype. Last evaluated: 2016-12-14. Review status: criteria provided, single submitter. Criteria: Ambry Variant Classification Scheme 2023. Collection method: clinical testing. Allele origin: germline.

GeneDx
Classification: Benign. Last evaluated: 2015-05-18. Review status: criteria provided, single submitter. Criteria: GeneDx Variant Classification (06012015). Collection method: clinical testing. Allele origin: germline. Affected: yes.
Comment: This variant is considered likely benign or benign based on one or more of the following criteria: it is a conservative change, it occurs at a poorly conserved position in the protein, it is predicted to be benign by multiple in silico algorithms, and/or has population frequency not consistent with disease.